The following is an entry in ClinVar:

NM_005502.4(ABCA1):c.704T>C (p.Ile235Thr)

Gene: ABCA1 (ATP binding cassette subfamily A member 1; minus strand). Cytogenetic location: 9q31.1.
Variant type: single nucleotide variant.
Coding change: c.704T>C on transcript NM_005502.4 (MANE Select); coding-DNA position 704, T replaced by C.
Protein change: p.Ile235Thr; replaces isoleucine 235 with threonine.
Molecular consequence: missense variant.
Genome position (GRCh38, 1-based): chr9:104,858,538, A>G on the plus strand (T>C on the coding strand, the complement: ABCA1 is on the minus strand). VCF-style: chr9-104858538-A-G. GRCh37 (hg19) VCF-style: chr9-107620819-A-G.
Other names: short protein forms I235T.
Identifiers: ClinVar variation 3224779 (VCV003224779.1), dbSNP rs1836049245, ClinGen allele CA374311094.

ClinVar aggregate classification (germline): Uncertain significance (1 of 4 stars; one submission).

Conditions:
Cardiovascular phenotype. Identifiers: MedGen CN230736.

Allele frequency attached by ClinVar (database versions not stated): TOPMed below 0.00001.

Submission:

Ambry Genetics
Classification: Uncertain significance for Cardiovascular phenotype. Last evaluated: 2023-11-08. Review status: criteria provided, single submitter. Criteria: Ambry Variant Classification Scheme 2023. Collection method: clinical testing. Allele origin: germline.
Comment: The p.I235T variant (also known as c.704T>C), located in coding exon 6 of the ABCA1 gene, results from a T to C substitution at nucleotide position 704. The isoleucine at codon 235 is replaced by threonine, an amino acid with similar properties. This amino acid position is conserved. In addition, the in silico prediction for this alteration is inconclusive. Since supporting evidence is limited at this time, the clinical significance of this alteration remains unclear.